The following is an entry in ClinVar:

ClinVar aggregate classification (germline): Uncertain significance (1 of 4 stars; one submission).

Allele frequency attached by ClinVar (database versions not stated): gnomAD exomes below 0.00001; gnomAD 0.00001; TOPMed 0.00002; ESP Exome Variant Server 0.00008.
gnomAD v4.1: 3 of 1,613,982 alleles (0.00019%); highest among the groups gnomAD compares: Middle Eastern, 0.016%; no homozygotes.

Submission:

Labcorp Genetics (formerly Invitae), Labcorp
Classification: Uncertain significance. Last evaluated: 2024-10-17. Review status: criteria provided, single submitter. Criteria: Invitae Variant Classification Sherloc (09022015). Collection method: clinical testing. Allele origin: germline.
Comment: This sequence change creates a premature translational stop signal (p.Glu592*) in the CEP89 gene. It is expected to result in an absent or disrupted protein product. However, the current clinical and genetic evidence is not sufficient to establish whether loss-of-function variants in CEP89 cause disease. This variant is present in population databases (rs371398482, gnomAD 0.0009%). This variant has not been reported in the literature in individuals affected with CEP89-related conditions. ClinVar contains an entry for this variant (Variation ID: 2083696). In summary, the available evidence is currently insufficient to determine the role of this variant in disease. Therefore, it has been classified as a Variant of Uncertain Significance.

NM_032816.5(CEP89):c.1774G>T (p.Glu592Ter)

Gene: CEP89 (centrosomal protein 89; minus strand). Cytogenetic location: 19q13.11.
Variant type: single nucleotide variant.
Coding change: c.1774G>T on transcript NM_032816.5 (MANE Select); coding-DNA position 1774, G replaced by T.
Protein change: p.Glu592Ter; replaces glutamic acid 592 with a stop codon.
Molecular consequence: nonsense.
Genome position (GRCh38, 1-based): chr19:32,899,958, C>A on the plus strand (G>T on the coding strand, the complement: CEP89 is on the minus strand). VCF-style: chr19-32899958-C-A. GRCh37 (hg19) VCF-style: chr19-33390864-C-A.
Other names: short protein forms E592*.
Identifiers: ClinVar variation 2083696 (VCV002083696.4), dbSNP rs371398482, ClinGen allele CA9359172.
Genomic context (GRCh38, chr19:32,899,958, plus strand): 5'-CCAGGCCAACAAGGTTTGCCAGGTACTGATGAGCAGACATTTCGTTCCCCATGGCTTTTT[C>A]CACCTGCTTTTTGAGGACCTCAATTTTCTTTTGAGATTTCCTAGAGAGTTACCCCAAATG-3'